The following is an entry in ClinVar:

NM_020631.6(PLEKHG5):c.88C>T (p.Arg30Cys)

Gene: PLEKHG5 (pleckstrin homology and RhoGEF domain containing G5; minus strand). Cytogenetic location: 1p36.31.
Variant type: single nucleotide variant.
Coding change: c.88C>T on transcript NM_020631.6 (MANE Select); coding-DNA position 88, C replaced by T.
Protein change: p.Arg30Cys; replaces arginine 30 with cysteine.
Molecular consequence: missense variant.
Genome position (GRCh38, 1-based): chr1:6,475,992, G>A on the plus strand (C>T on the coding strand, the complement: PLEKHG5 is on the minus strand). VCF-style: chr1-6475992-G-A. GRCh37 (hg19) VCF-style: chr1-6536052-G-A.
Other names: p.Arg30Cys; c.199C>T, p.Arg67Cys (NM_001042663.3, NM_001265592.2); c.88C>T, p.Arg30Cys (NM_001042664.2, NM_001042665.2, NM_001265594.3 and 1 more transcripts); c.295C>T, p.Arg99Cys (NM_001265593.2); c.88C>T (NM_020631.5); short protein forms R30C, R99C, R67C.
Identifiers: ClinVar variation 245659 (VCV000245659.76), dbSNP rs111400494, ClinGen allele CA561996.

ClinVar aggregate classification (germline): Benign/Likely benign. Review status: criteria provided, multiple submitters, no conflicts (2 of 4 stars). 11 submissions from 11 submitters: Benign (3); Likely benign (7). 1 of the submissions does not count toward it. Last evaluated 2026-08-01.

Conditions:
PLEKHG5-related disorder. Also called: PLEKHG5-related condition.
Charcot-Marie-Tooth disease recessive intermediate C. Also called: CHARCOT-MARIE-TOOTH NEUROPATHY, RECESSIVE INTERMEDIATE C. Identifiers: Orphanet 369867, MedGen C3809309, MONDO:0014154, OMIM 615376.
Neuronopathy, distal hereditary motor, autosomal recessive 4. Also called: Autosomal recessive lower motor neuron disease with childhood onset; NEUROPATHY, DISTAL HEREDITARY MOTOR, AUTOSOMAL RECESSIVE 4. Identifiers: Orphanet 206580, MedGen C1970211, MONDO:0012608, OMIM 611067.
Inborn genetic diseases. Identifiers: MedGen C0950123, MeSH D030342.

Allele frequency attached by ClinVar (database versions not stated): 1000 Genomes Project 30x 0.00094; 1000 Genomes Project 0.00100; ExAC 0.00226; TOPMed 0.00255; gnomAD 0.00271 and 0.00274; ESP Exome Variant Server 0.00354.
gnomAD v4.1: 7,444 of 1,613,838 alleles (0.46%); highest among the groups gnomAD compares: Non-Finnish European, 0.57%; 27 homozygotes.

Submissions (11):

CeGaT Center for Human Genetics Tuebingen
Classification: Likely benign. Last evaluated: 2026-08-01. Review status: criteria provided, single submitter. Criteria: CeGaT Center For Human Genetics Tuebingen Variant Classification Criteria Version 2. Collection method: clinical testing. Allele origin: germline. Affected: yes. Observed: 16 variant alleles.
Comment: PLEKHG5: BS2

Labcorp Genetics (formerly Invitae), Labcorp
Classification: Likely benign for Neuronopathy, distal hereditary motor, autosomal recessive 4; Charcot-Marie-Tooth disease recessive intermediate C. Last evaluated: 2026-02-01. Review status: criteria provided, single submitter. Criteria: Invitae Variant Classification Sherloc (09022015). Collection method: clinical testing. Allele origin: germline.

ARUP Laboratories, Molecular Genetics and Genomics, ARUP Laboratories
Classification: Likely benign. Last evaluated: 2025-02-11. Review status: criteria provided, single submitter. Criteria: ARUP Molecular Germline Variant Investigation Process 2024. Collection method: clinical testing. Allele origin: germline.

Women's Health and Genetics/Laboratory Corporation of America, LabCorp
Classification: Likely benign. Last evaluated: 2024-12-24. Review status: criteria provided, single submitter. Criteria: LabCorp Variant Classification Summary - May 2015. Collection method: clinical testing. Allele origin: germline.
Comment: Variant summary: PLEKHG5 c.88C>T (p.Arg30Cys) results in a non-conservative amino acid change in the encoded protein sequence. Three of four in-silico tools predict a damaging effect of the variant on protein function. The variant allele was found at a frequency of 0.0024 in 250318 control chromosomes in the gnomAD database, including 2 homozygotes. The observed variant frequency is approximately 2.15 fold of the estimated maximal expected allele frequency for a pathogenic variant in PLEKHG5 causing Distal Spinal Muscular Atrophy, Autosomal Recessive 4 phenotype (0.0011). To our knowledge, no occurrence of c.88C>T in individuals affected with Distal Spinal Muscular Atrophy, Autosomal Recessive 4 and no experimental evidence demonstrating its impact on protein function have been reported. ClinVar contains an entry for this variant (Variation ID: 245659). Based on the evidence outlined above, the variant was classified as likely benign.

Blueprint Genetics
Classification: Likely benign. Last evaluated: 2024-11-21. Review status: criteria provided, single submitter. Criteria: ACMG Guidelines, 2015. Collection method: clinical testing. Allele origin: germline.

Mayo Clinic Laboratories, Mayo Clinic
Classification: Benign. Last evaluated: 2023-05-10. Review status: criteria provided, single submitter. Criteria: ACMG Guidelines, 2015. Collection method: clinical testing. Allele origin: germline. Observed: 19 variant alleles.
Comment: BS1, BS2, BP4

Ambry Genetics
Classification: Likely benign for Inborn genetic diseases. Last evaluated: 2020-06-18. Review status: criteria provided, single submitter. Criteria: Ambry Variant Classification Scheme 2023. Collection method: clinical testing. Allele origin: germline.

Illumina Laboratory Services, Illumina
Classification: Likely benign for Neuronopathy, distal hereditary motor, autosomal recessive 4. Last evaluated: 2018-01-13. Review status: criteria provided, single submitter. Criteria: ICSL Variant Classification Criteria 13 December 2019. Collection method: clinical testing. Allele origin: germline.
Comment: This variant was observed in the ICSL laboratory as part of a predisposition screen in an ostensibly healthy population. It had not been previously curated by ICSL or reported in the Human Gene Mutation Database (HGMD: prior to June 1st, 2018), and was therefore a candidate for classification through an automated scoring system. Utilizing variant allele frequency, disease prevalence and penetrance estimates, and inheritance mode, an automated score was calculated to assess if this variant is too frequent to cause the disease. Based on the score and internal cut-off values, a variant classified as likely benign is not then subjected to further curation. The score for this variant resulted in a classification of likely benign for this disease.

GeneDx
Classification: Benign. Last evaluated: 2017-12-27. Review status: criteria provided, single submitter. Criteria: GeneDx Variant Classification (06012015). Collection method: clinical testing. Allele origin: germline. Affected: yes.
Comment: This variant is considered likely benign or benign based on one or more of the following criteria: it is a conservative change, it occurs at a poorly conserved position in the protein, it is predicted to be benign by multiple in silico algorithms, and/or has population frequency not consistent with disease.

Eurofins Ntd Llc (ga)
Classification: Benign. Last evaluated: 2015-10-29. Review status: criteria provided, single submitter. Criteria: EGL Classification Definitions 2015. Collection method: clinical testing. Allele origin: germline. Observed: 2 variant alleles, 2 heterozygotes.

PreventionGenetics, part of Exact Sciences
Classification: Benign for PLEKHG5-related condition. Last evaluated: 2023-04-27. Review status: no assertion criteria provided. Collection method: clinical testing. Allele origin: germline. Not counted in ClinVar's aggregate classification.
Comment: This variant is classified as benign based on ACMG/AMP sequence variant interpretation guidelines (Richards et al. 2015 PMID: 25741868, with internal and published modifications).

Literature cited by the submitters: PubMed 32397312 (cited by Mayo Clinic Laboratories, Mayo Clinic).